The following is an entry in ClinVar:

NM_000540.3(RYR1):c.4486G>T (p.Gly1496Cys)

Gene: RYR1 (ryanodine receptor 1; plus strand). Cytogenetic location: 19q13.2.
Variant type: single nucleotide variant.
Coding change: c.4486G>T on transcript NM_000540.3 (MANE Select); coding-DNA position 4486, G replaced by T.
Protein change: p.Gly1496Cys; replaces glycine 1496 with cysteine.
Molecular consequence: missense variant.
Genome position (GRCh38, 1-based): chr19:38,478,466, G>T. VCF-style: chr19-38478466-G-T. GRCh37 (hg19) VCF-style: chr19-38969106-G-T.
Other names: c.4486G>T, p.Gly1496Cys (NM_001042723.2); short protein forms G1496C.
Identifiers: ClinVar variation 1496958 (VCV001496958.4), dbSNP rs760892908, ClinGen allele CA405646971.
Genomic context (GRCh38, chr19:38,478,466, plus strand): 5'-AGTGCAGTGACCGCTTCTGTCTCCTGCAGCCTCAAGTGTAGCAACTGCTACATGGTGTGG[G>T]GCGGAGACTTTGTGAGTCCCGGGCAGCAGGGCCGGATCAGCCACACGGACCTTGTCATTG-3'
Protein context (NP_000531.2, residues 1486-1506): LKCSNCYMVW[Gly1496Cys]GDFVSPGQQG

ClinVar aggregate classification (germline): Uncertain significance (1 of 4 stars; one submission).

Conditions:
RYR1-related disorder. Also called: RYR1-related condition; RYR1-related disorders. Identifiers: MedGen CN239331.

gnomAD v4.1: 1 of 1,613,974 alleles (0.000062%); highest among the groups gnomAD compares: Non-Finnish European, 0.000085%; no homozygotes.

Submission:

Labcorp Genetics (formerly Invitae), Labcorp
Classification: Uncertain significance for RYR1-related disorder. Last evaluated: 2022-10-03. Review status: criteria provided, single submitter. Criteria: Invitae Variant Classification Sherloc (09022015). Collection method: clinical testing. Allele origin: germline.
Comment: In summary, the available evidence is currently insufficient to determine the role of this variant in disease. Therefore, it has been classified as a Variant of Uncertain Significance. Algorithms developed to predict the effect of sequence changes on RNA splicing suggest that this variant may create or strengthen a splice site. Advanced modeling of protein sequence and biophysical properties (such as structural, functional, and spatial information, amino acid conservation, physicochemical variation, residue mobility, and thermodynamic stability) has been performed at Invitae for this missense variant, however the output from this modeling did not meet the statistical confidence thresholds required to predict the impact of this variant on RYR1 protein function. ClinVar contains an entry for this variant (Variation ID: 1496958). This variant has not been reported in the literature in individuals affected with RYR1-related conditions. This variant is not present in population databases (gnomAD no frequency). This sequence change replaces glycine, which is neutral and non-polar, with cysteine, which is neutral and slightly polar, at codon 1496 of the RYR1 protein (p.Gly1496Cys).